The following is an entry in ClinVar:

NM_182919.4(TICAM1):c.467G>A (p.Arg156Gln)

Gene: TICAM1 (TIR domain containing adaptor molecule 1; minus strand). Cytogenetic location: 19p13.3.
Variant type: single nucleotide variant.
Coding change: c.467G>A on transcript NM_182919.4 (MANE Select); coding-DNA position 467, G replaced by A.
Protein change: p.Arg156Gln; replaces arginine 156 with glutamine.
Molecular consequence: missense variant. On other transcripts: intron variant (1).
Genome position (GRCh38, 1-based): chr19:4,817,911, C>T on the plus strand (G>A on the coding strand, the complement: TICAM1 is on the minus strand). VCF-style: chr19-4817911-C-T. GRCh37 (hg19) VCF-style: chr19-4817923-C-T.
Other names: c.425G>A, p.Arg142Gln (NM_001385678.1); c.332G>A, p.Arg111Gln (NM_001385679.1); c.-71-105G>A (NM_001385680.1); short protein forms R142Q, R111Q, R156Q.
Identifiers: ClinVar variation 1922840 (VCV001922840.4), dbSNP rs376914657, ClinGen allele CA9105348.
Genomic context (GRCh38, chr19:4,817,911, plus strand): 5'-CTGGTCCCAGAGGGCAAAGCCGAGGATGGTGGGAGGCAGCCCAGATTGGACTGGAGCGTC[C>T]GGATGCTCCCTGGATCCCCAGCAATGTCCCACCCACACCGGTTTCGGGCCTCATCCTGAA-3'
Protein context (NP_891549.1, residues 146-166): WDIAGDPGSI[Arg156Gln]TLQSNLGCLP

ClinVar aggregate classification (germline): Conflicting classifications of pathogenicity. Review status: criteria provided, conflicting classifications (1 of 4 stars). 2 submissions from 2 submitters: Uncertain significance (1); Likely benign (1). Last evaluated 2022-05-12.

Conditions:
Encephalopathy, acute, infection-induced (herpes-specific), susceptibility to, 6. Also called: Herpes simplex encephalitis, susceptibility to, 4. Identifiers: Orphanet 1930, MedGen C3553869, MONDO:0013921, OMIM 614850.

Allele frequency attached by ClinVar (database versions not stated): gnomAD 0.00002; TOPMed 0.00001; ExAC 0.00002; ESP Exome Variant Server 0.00008.
gnomAD v4.1: 17 of 1,613,766 alleles (0.0011%); highest among the groups gnomAD compares: African/African-American, 0.004%; no homozygotes.

Submissions (2):

Labcorp Genetics (formerly Invitae), Labcorp
Classification: Uncertain significance for Encephalopathy, acute, infection-induced (herpes-specific), susceptibility to, 6. Last evaluated: 2022-05-12. Review status: criteria provided, single submitter. Criteria: Invitae Variant Classification Sherloc (09022015). Collection method: clinical testing. Allele origin: germline.
Comment: This sequence change replaces arginine, which is basic and polar, with glutamine, which is neutral and polar, at codon 156 of the TICAM1 protein (p.Arg156Gln). This variant is present in population databases (rs376914657, gnomAD 0.008%). This variant has not been reported in the literature in individuals affected with TICAM1-related conditions. Algorithms developed to predict the effect of missense changes on protein structure and function output the following: SIFT: "Tolerated"; PolyPhen-2: "Benign"; Align-GVGD: "Class C0". The glutamine amino acid residue is found in multiple mammalian species, which suggests that this missense change does not adversely affect protein function. In summary, the available evidence is currently insufficient to determine the role of this variant in disease. Therefore, it has been classified as a Variant of Uncertain Significance.

Ambry Genetics
Classification: Likely benign. Last evaluated: 2022-03-16. Review status: criteria provided, single submitter. Criteria: Ambry Variant Classification Scheme 2023. Collection method: clinical testing. Allele origin: germline.